The following is an entry in ClinVar:

ClinVar aggregate classification (germline): Uncertain significance (1 of 4 stars; one submission).

Allele frequency attached by ClinVar (database versions not stated): TOPMed below 0.00001.
gnomAD v4.1: 2 of 1,614,164 alleles (0.00012%); highest among the groups gnomAD compares: Non-Finnish European, 0.00017%; no homozygotes.

Submission:

Labcorp Genetics (formerly Invitae), Labcorp
Classification: Uncertain significance. Last evaluated: 2020-02-07. Review status: criteria provided, single submitter. Criteria: Invitae Variant Classification Sherloc (09022015). Collection method: clinical testing. Allele origin: germline.
Comment: In summary, the available evidence is currently insufficient to determine the role of this variant in disease. Therefore, it has been classified as a Variant of Uncertain Significance. Algorithms developed to predict the effect of missense changes on protein structure and function are either unavailable or do not agree on the potential impact of this missense change (SIFT: "Deleterious"; PolyPhen-2: "Probably Damaging"; Align-GVGD: "Class C0"). This variant has not been reported in the literature in individuals with HK1-related conditions. This variant is not present in population databases (ExAC no frequency). This sequence change replaces aspartic acid with asparagine at codon 221 of the HK1 protein (p.Asp221Asn). The aspartic acid residue is highly conserved and there is a small physicochemical difference between aspartic acid and asparagine.

NM_000188.3(HK1):c.661G>A (p.Asp221Asn)

Gene: HK1 (hexokinase 1; plus strand). Cytogenetic location: 10q22.1.
Variant type: single nucleotide variant.
Coding change: c.661G>A on transcript NM_000188.3 (MANE Select); coding-DNA position 661, G replaced by A.
Protein change: p.Asp221Asn; replaces aspartic acid 221 with asparagine.
Molecular consequence: missense variant.
Genome position (GRCh38, 1-based): chr10:69,369,306, G>A. VCF-style: chr10-69369306-G-A. GRCh37 (hg19) VCF-style: chr10-71129062-G-A.
Other names: c.673G>A, p.Asp225Asn (NM_001322364.2, NM_001358263.1, NM_033497.3 and 1 more transcripts); c.766G>A, p.Asp256Asn (NM_001322365.2); c.577G>A, p.Asp193Asn (NM_001322366.1); c.565G>A, p.Asp189Asn (NM_001322367.1); c.658G>A, p.Asp220Asn (NM_033496.3); c.625G>A, p.Asp209Asn (NM_033500.2); short protein forms D189N, D193N, D209N, D220N, D221N, D225N, D256N.
Identifiers: ClinVar variation 1018703 (VCV001018703.9), dbSNP rs774763877, ClinGen allele CA376913998.